The following is an entry in ClinVar:

NM_006996.3(SLC19A2):c.1033G>A (p.Ala345Thr)

Gene: SLC19A2 (solute carrier family 19 member 2; minus strand). Cytogenetic location: 1q24.2.
Variant type: single nucleotide variant.
Coding change: c.1033G>A on transcript NM_006996.3 (MANE Select); coding-DNA position 1033, G replaced by A.
Protein change: p.Ala345Thr; replaces alanine 345 with threonine.
Molecular consequence: missense variant.
Genome position (GRCh38, 1-based): chr1:169,468,834, C>T on the plus strand (G>A on the coding strand, the complement: SLC19A2 is on the minus strand). VCF-style: chr1-169468834-C-T. GRCh37 (hg19) VCF-style: chr1-169438072-C-T.
Other names: c.430G>A, p.Ala144Thr (NM_001319667.1); short protein forms A144T, A345T.
Identifiers: ClinVar variation 3063695 (VCV003063695.1), dbSNP rs530380548, ClinGen allele CA32436548.

ClinVar aggregate classification (germline): Uncertain significance (1 of 4 stars; one submission).

Allele frequency attached by ClinVar (database versions not stated): gnomAD 0.00001; TOPMed 0.00001; gnomAD exomes 0.00002; 1000 Genomes Project 30x 0.00016; 1000 Genomes Project 0.00020.
gnomAD v4.1: 38 of 1,613,598 alleles (0.0024%); highest among the groups gnomAD compares: Admixed American, 0.0033%; no homozygotes.

Submission:

Women's Health and Genetics/Laboratory Corporation of America, LabCorp
Classification: Uncertain significance. Last evaluated: 2024-01-29. Review status: criteria provided, single submitter. Criteria: LabCorp Variant Classification Summary - May 2015. Collection method: clinical testing. Allele origin: germline.
Comment: Variant summary: SLC19A2 c.1033G>A (p.Ala345Thr) results in a non-conservative amino acid change in the encoded protein sequence. Four of five in-silico tools predict a damaging effect of the variant on protein function. Consensus agreement among computation tools predict no significant impact on normal splicing. However, these predictions have yet to be confirmed by functional studies. The variant allele was found at a frequency of 2e-05 in 250880 control chromosomes. The available data on variant occurrences in the general population are insufficient to allow any conclusion about variant significance. To our knowledge, no occurrence of c.1033G>A in individuals affected with Megaloblastic anemia, thiamine-responsive, with diabetes mellitus and sensorineural deafness and no experimental evidence demonstrating its impact on protein function have been reported. No submitters have cited clinical-significance assessments for this variant to ClinVar. Based on the evidence outlined above, the variant was classified as uncertain significance.